The following is an entry in ClinVar:

ClinVar aggregate classification (germline): Likely pathogenic (1 of 4 stars; one submission).

Submission:

GeneDx
Classification: Likely pathogenic. Last evaluated: 2023-01-25. Review status: criteria provided, single submitter. Criteria: GeneDx Variant Classification Process June 2021. Collection method: clinical testing. Allele origin: germline. Affected: yes.
Comment: Frameshift variant predicted to result in protein truncation, as the last 395 amino acids are replaced with 5 different amino acids, and other loss-of-function variants have been reported downstream in HGMD.; Not observed at significant frequency in large population cohorts (gnomAD); Has not been previously published as pathogenic or benign to our knowledge

NM_001429.4(EP300):c.6058del (p.Gln2020fs)

Gene: EP300 (E1A binding protein p300; plus strand). Cytogenetic location: 22q13.2.
Variant type: Deletion.
Coding change: c.6058del on transcript NM_001429.4 (MANE Select); coding-DNA position 6058, one base deleted (C; older notation c.6058delC).
Protein change: p.Gln2020fs; shifts the reading frame from glutamine 2020.
Molecular consequence: frameshift variant.
Genome position (GRCh38, 1-based): chr22:41,177,769, C deleted; the last of 3 consecutive C bases (chr22:41,177,767-41,177,769); deleting any one gives the same sequence. VCF-style (leftmost placement, unchanged base first): chr22-41177766-GC-G. GRCh37 (hg19) VCF-style: chr22-41573770-GC-G.
Other names: c.5980del, p.Gln1994fs (NM_001362843.2); short protein forms Q1994fs, Q2020fs.
Identifiers: ClinVar variation 2574294 (VCV002574294.1), dbSNP rs2145519140, ClinGen allele CA2573332910.